The following is an entry in ClinVar:

NM_001684.5(ATP2B4):c.1674C>T (p.Pro558=)

Gene: ATP2B4 (ATPase plasma membrane Ca2+ transporting 4; plus strand). Cytogenetic location: 1q32.1.
Variant type: single nucleotide variant.
Coding change: c.1674C>T on transcript NM_001684.5 (MANE Select); coding-DNA position 1674, C replaced by T.
Protein change: p.Pro558=; no amino-acid change (proline 558 retained).
Molecular consequence: synonymous variant.
Genome position (GRCh38, 1-based): chr1:203,709,417, C>T. VCF-style: chr1-203709417-C-T. GRCh37 (hg19) VCF-style: chr1-203678545-C-T.
Other names: c.1674C>T, p.Pro558= (NM_001001396.3, NM_001365783.2, NM_001365784.2).
Identifiers: ClinVar variation 2639819 (VCV002639819.27), dbSNP rs147713701, ClinGen allele CA1341666.
Genomic context (GRCh38, chr1:203,709,417, plus strand): 5'-TCTGCTAGGCTTTGTCACAGATCTGAAGCAGGATTATCAGGCTGTGCGTAATGAAGTGCC[C>T]GAGGAGAAGCTCTACAAGGTGTACACCTTTAACTCAGTGCGCAAGTCAATGAGCACCGTC-3'
Protein context (NP_001675.3, residues 548-568): QDYQAVRNEV[Pro558=]EEKLYKVYTF

ClinVar aggregate classification (germline): Benign. Review status: criteria provided, multiple submitters, no conflicts (2 of 4 stars). 2 submissions from 2 submitters: Benign (2). Last evaluated 2025-06-12.

Allele frequency attached by ClinVar (database versions not stated): ExAC 0.00021; 1000 Genomes Project 30x 0.00047; gnomAD 0.00050; 1000 Genomes Project 0.00060; TOPMed 0.00064; ESP Exome Variant Server 0.00069.
gnomAD v4.1: 151 of 1,614,160 alleles (0.0094%); highest among the groups gnomAD compares: African/African-American, 0.17%; 1 homozygote.

Submissions (2):

Labcorp Genetics (formerly Invitae), Labcorp
Classification: Benign. Last evaluated: 2025-06-12. Review status: criteria provided, single submitter. Criteria: Invitae Variant Classification Sherloc (09022015). Collection method: clinical testing. Allele origin: germline.

CeGaT Center for Human Genetics Tuebingen
Classification: Benign. Last evaluated: 2022-09-01. Review status: criteria provided, single submitter. Criteria: CeGaT Center For Human Genetics Tuebingen Variant Classification Criteria Version 2. Collection method: clinical testing. Allele origin: germline. Affected: yes. Observed: 1 variant allele.
Comment: ATP2B4: BS1, BS2